The following is an entry in ClinVar:

NM_002857.4(PEX19):c.594+6T>C

Gene: PEX19 (peroxisomal biogenesis factor 19; minus strand). Cytogenetic location: 1q23.2.
Variant type: single nucleotide variant.
Coding change: c.594+6T>C on transcript NM_002857.4 (MANE Select); 6 bases into the intron after coding-DNA position 594, T replaced by C.
Molecular consequence: intron variant.
Genome position (GRCh38, 1-based): chr1:160,282,033, A>G on the plus strand (T>C on the coding strand, the complement: PEX19 is on the minus strand). VCF-style: chr1-160282033-A-G. GRCh37 (hg19) VCF-style: chr1-160251823-A-G.
Other names: c.594+6T>C (NM_001193644.1).
Identifiers: ClinVar variation 3725682 (VCV003725682.2).

ClinVar aggregate classification (germline): Uncertain significance (1 of 4 stars; one submission).

Conditions:
Peroxisome biogenesis disorder 12A (Zellweger). Also called: Peroxisome biogenesis disorder 12A. Identifiers: Orphanet 912, MedGen C3554002, MONDO:0013951, OMIM 614886.

Submission:

Labcorp Genetics (formerly Invitae), Labcorp
Classification: Uncertain significance for Peroxisome biogenesis disorder 12A (Zellweger). Last evaluated: 2024-12-31. Review status: criteria provided, single submitter. Criteria: Invitae Variant Classification Sherloc (09022015). Collection method: clinical testing. Allele origin: germline.
Comment: This sequence change falls in intron 5 of the PEX19 gene. It does not directly change the encoded amino acid sequence of the PEX19 protein. It affects a nucleotide within the consensus splice site. This variant is not present in population databases (gnomAD no frequency). This variant has not been reported in the literature in individuals affected with PEX19-related conditions. Variants that disrupt the consensus splice site are a relatively common cause of aberrant splicing (PMID: 17576681, 9536098). Algorithms developed to predict the effect of sequence changes on RNA splicing suggest that this variant is not likely to affect RNA splicing. In summary, the available evidence is currently insufficient to determine the role of this variant in disease. Therefore, it has been classified as a Variant of Uncertain Significance.

Literature cited by the submitters: PubMed 17576681; PubMed 9536098.